The following is an entry in ClinVar:

ClinVar aggregate classification (germline): Likely pathogenic (1 of 4 stars; one submission).

Submission:

Labcorp Genetics (formerly Invitae), Labcorp
Classification: Likely pathogenic. Last evaluated: 2023-09-11. Review status: criteria provided, single submitter. Criteria: Invitae Variant Classification Sherloc (09022015). Collection method: clinical testing. Allele origin: germline.
Comment: This sequence change affects a donor splice site in intron 50 of the ADGRV1 gene. It is expected to disrupt RNA splicing. Variants that disrupt the donor or acceptor splice site typically lead to a loss of protein function (PMID: 16199547), and loss-of-function variants in ADGRV1 are known to be pathogenic (PMID: 19357117, 22135276, 22147658, 26226137, 30718709, 31047384, 32467589). This variant is not present in population databases (gnomAD no frequency). In summary, the currently available evidence indicates that the variant is pathogenic, but additional data are needed to prove that conclusively. Therefore, this variant has been classified as Likely Pathogenic. Algorithms developed to predict the effect of sequence changes on RNA splicing suggest that this variant may disrupt the consensus splice site. This variant has not been reported in the literature in individuals affected with ADGRV1-related conditions.

Literature cited by the submitters: PubMed 16199547; PubMed 19357117; PubMed 22135276; PubMed 22147658; PubMed 26226137; PubMed 30718709; PubMed 31047384; PubMed 32467589.

NM_032119.4(ADGRV1):c.10549+1G>A

Gene: ADGRV1 (adhesion G protein-coupled receptor V1; plus strand). Cytogenetic location: 5q14.3.
Variant type: single nucleotide variant.
Coding change: c.10549+1G>A on transcript NM_032119.4 (MANE Select); the canonical splice donor site of the intron after coding-DNA position 10549, G replaced by A.
Molecular consequence: splice donor variant.
Genome position (GRCh38, 1-based): chr5:90,729,765, G>A. VCF-style: chr5-90729765-G-A. GRCh37 (hg19) VCF-style: chr5-90025582-G-A.
Identifiers: ClinVar variation 2760123 (VCV002760123.3), dbSNP rs2531381385, ClinGen allele CA360406003.